The following is an entry in ClinVar:

NM_001999.4(FBN2):c.5312C>T (p.Ala1771Val)

Gene: FBN2 (fibrillin 2; minus strand). Cytogenetic location: 5q23.3.
Variant type: single nucleotide variant.
Coding change: c.5312C>T on transcript NM_001999.4 (MANE Select); coding-DNA position 5312, C replaced by T.
Protein change: p.Ala1771Val; replaces alanine 1771 with valine.
Molecular consequence: missense variant.
Genome position (GRCh38, 1-based): chr5:128,309,288, G>A on the plus strand (C>T on the coding strand, the complement: FBN2 is on the minus strand). VCF-style: chr5-128309288-G-A. GRCh37 (hg19) VCF-style: chr5-127644980-G-A.
Other names: short protein forms A1771V.
Identifiers: ClinVar variation 1481099 (VCV001481099.8), dbSNP rs2126842904, ClinGen allele CA360743604.

ClinVar aggregate classification (germline): Uncertain significance (1 of 4 stars; one submission).

Conditions:
Congenital contractural arachnodactyly (CCA). Also called: Arthrogryposis, distal, type 9; BEALS SYNDROME; Beals-Hecht syndrome. Identifiers: Orphanet 115, MedGen C0220668, MONDO:0007363, OMIM 121050.

Submission:

Labcorp Genetics (formerly Invitae), Labcorp
Classification: Uncertain significance for Congenital contractural arachnodactyly. Last evaluated: 2025-03-12. Review status: criteria provided, single submitter. Criteria: Invitae Variant Classification Sherloc (09022015). Collection method: clinical testing. Allele origin: germline.
Comment: This sequence change replaces alanine, which is neutral and non-polar, with valine, which is neutral and non-polar, at codon 1771 of the FBN2 protein (p.Ala1771Val). This variant is not present in population databases (gnomAD no frequency). This variant has not been reported in the literature in individuals affected with FBN2-related conditions. ClinVar contains an entry for this variant (Variation ID: 1481099). Invitae Evidence Modeling of protein sequence and biophysical properties (such as structural, functional, and spatial information, amino acid conservation, physicochemical variation, residue mobility, and thermodynamic stability) indicates that this missense variant is expected to disrupt FBN2 protein function with a positive predictive value of 80%. In summary, the available evidence is currently insufficient to determine the role of this variant in disease. Therefore, it has been classified as a Variant of Uncertain Significance.